The following is an entry in ClinVar:

ClinVar aggregate classification (germline): Likely pathogenic (1 of 4 stars; one submission).

Conditions:
Primary hyperoxaluria, type I (HP1). Also called: OXALOSIS I; Primary hyperoxaluria type 1; GLYCOLIC ACIDURIA; HEPATIC AGT DEFICIENCY. Identifiers: Orphanet 416, Orphanet 93598, MedGen C0268164, MONDO:0009823, OMIM 259900. Disease mechanism: loss of function.

Submission:

Natera, Inc.
Classification: Likely pathogenic for Primary hyperoxaluria type I. Last evaluated: 2026-01-20. Review status: criteria provided, single submitter. Criteria: Natera Variant Classification Schema (03/2026). Collection method: clinical testing. Allele origin: germline.
Comment: The c.524+1G>T variant in AGXT is a canonical splice donor site variant predicted to affect pre-mRNA splicing, which may result in an abnormal transcript and altered protein product. This variant is expected to result in nonsense mediated decay, truncation, or a dysfunctional protein product. This variant is rare in the general population with a frequency below the threshold expected for the associated phenotype(s). Given the available evidence, this variant is classified as Likely Pathogenic.

NM_000030.3(AGXT):c.524+1G>T

Gene: AGXT (alanine--glyoxylate aminotransferase; plus strand). Cytogenetic location: 2q37.3.
Variant type: single nucleotide variant.
Coding change: c.524+1G>T on transcript NM_000030.3 (MANE Select); the canonical splice donor site of the intron after coding-DNA position 524, G replaced by T.
Molecular consequence: splice donor variant.
Genome position (GRCh38, 1-based): chr2:240,871,450, G>T. VCF-style: chr2-240871450-G-T. GRCh37 (hg19) VCF-style: chr2-241810867-G-T.
Identifiers: ClinVar variation 4818015 (VCV004818015.1).